The following is an entry in ClinVar:

NM_000193.4(SHH):c.37del (p.Val13fs)

Gene: SHH (sonic hedgehog signaling molecule; minus strand). Cytogenetic location: 7q36.3.
Variant type: Deletion.
Coding change: c.37del on transcript NM_000193.4 (MANE Select); coding-DNA position 37, one base deleted (G; older notation c.37delG).
Protein change: p.Val13fs; shifts the reading frame from valine 13.
Molecular consequence: frameshift variant.
Genome position (GRCh38, 1-based): chr7:155,812,086, C deleted on the plus strand (G on the coding strand, the reverse complement: SHH is on the minus strand). VCF-style (leftmost placement, unchanged base first): chr7-155812085-AC-A. GRCh37 (hg19) VCF-style: chr7-155604779-AC-A.
Other names: short protein forms V13fs.
Identifiers: ClinVar variation 3358962 (VCV003358962.3).
Genomic context (GRCh38, chr7:155,812,085, plus strand): 5'-CTCTTCCCGAACCCCCTGCCCGGTCCGCACGCCAGTCCCGAGCATACCAGCAGCGAGGAG[AC>A]GAGGACTAGCAGCAGACATCTCGCCAGCAGCAGCATCTCGCCCATGGAACTGATGACTTC-3'

ClinVar aggregate classification (germline): Pathogenic (1 of 4 stars; one submission).

Conditions:
Solitary median maxillary central incisor syndrome. Also called: FUSED INCISORS; SINGLE CENTRAL MAXILLARY INCISOR; Solitary median maxillary central incisor; SMMCI SYNDROME; Single Central Incisor Syndrome. Identifiers: MedGen C1840235, MONDO:0007819, OMIM 147250, HP:0006315.

Submission:

Institute of Human Genetics, University of Leipzig Medical Center
Classification: Pathogenic for Solitary median maxillary central incisor syndrome. Last evaluated: 2025-03-04. Review status: criteria provided, single submitter. Criteria: ACMG Guidelines, 2015. Collection method: clinical testing. Allele origin: maternal. Inheritance: Autosomal dominant inheritance. Affected: yes.
Comment: Criteria applied: PVS1,PS2_MOD,PM2